The following is an entry in ClinVar:

NM_000093.5(COL5A1):c.1591G>A (p.Asp531Asn)

Gene: COL5A1 (collagen type V alpha 1 chain; plus strand). Cytogenetic location: 9q34.3.
Variant type: single nucleotide variant.
Coding change: c.1591G>A on transcript NM_000093.5 (MANE Select); coding-DNA position 1591, G replaced by A.
Protein change: p.Asp531Asn; replaces aspartic acid 531 with asparagine.
Molecular consequence: missense variant.
Genome position (GRCh38, 1-based): chr9:134,750,811, G>A. VCF-style: chr9-134750811-G-A. GRCh37 (hg19) VCF-style: chr9-137642657-G-A.
Other names: c.1591G>A (NM_000093.3); c.1591G>A, p.Asp531Asn (NM_001278074.1); short protein forms D531N.
Identifiers: ClinVar variation 656779 (VCV000656779.14), dbSNP rs779170635, ClinGen allele CA5318877.

ClinVar aggregate classification (germline): Conflicting classifications of pathogenicity. Review status: criteria provided, conflicting classifications (1 of 4 stars). 3 submissions from 3 submitters: Uncertain significance (2); Benign (1). Last evaluated 2026-08-01.

Conditions:
Ehlers-Danlos syndrome, classic type, 1 (EDSCL1). Also called: Ehlers-Danlos Syndrome, Classic Type, COL5A1-Related; EDS I; Ehlers-Danlos syndrome, type 1; EHLERS-DANLOS SYNDROME, GRAVIS TYPE; EHLERS-DANLOS SYNDROME, SEVERE CLASSIC TYPE. Identifiers: MedGen C0268335, MONDO:0019567, OMIM 130000.
Familial thoracic aortic aneurysm and aortic dissection (TAAD). Also called: Thoracic aortic aneurysms and dissections. Identifiers: Orphanet 91387, MedGen C4707243, MONDO:0019625.

Allele frequency attached by ClinVar (database versions not stated): ExAC 0.00001; gnomAD exomes 0.00001 and 0.00002; gnomAD 0.00002 and 0.00003; TOPMed 0.00002.
gnomAD v4.1: 37 of 1,613,164 alleles (0.0023%); highest among the groups gnomAD compares: East Asian, 0.0045%; no homozygotes.

Submissions (3):

CeGaT Center for Human Genetics Tuebingen
Classification: Uncertain significance. Last evaluated: 2026-08-01. Review status: criteria provided, single submitter. Criteria: CeGaT Center For Human Genetics Tuebingen Variant Classification Criteria Version 2. Collection method: clinical testing. Allele origin: germline. Affected: yes. Observed: 1 variant allele.

Labcorp Genetics (formerly Invitae), Labcorp
Classification: Benign for Ehlers-Danlos syndrome, classic type, 1. Last evaluated: 2023-10-09. Review status: criteria provided, single submitter. Criteria: Invitae Variant Classification Sherloc (09022015). Collection method: clinical testing. Allele origin: germline.

Ambry Genetics
Classification: Uncertain significance for Familial thoracic aortic aneurysm and aortic dissection. Last evaluated: 2023-09-28. Review status: criteria provided, single submitter. Criteria: Ambry Variant Classification Scheme 2023. Collection method: clinical testing. Allele origin: germline.
Comment: The p.D531N variant (also known as c.1591G>A), located in coding exon 13 of the COL5A1 gene, results from a G to A substitution at nucleotide position 1591. The aspartic acid at codon 531 is replaced by asparagine, an amino acid with highly similar properties. This amino acid position is well conserved in available vertebrate species. In addition, this alteration is predicted to be tolerated by in silico analysis. Since supporting evidence is limited at this time, the clinical significance of this alteration remains unclear.